The following is an entry in ClinVar:

NM_025074.7(FRAS1):c.3730C>T (p.Arg1244Ter)

Gene: FRAS1 (Fraser extracellular matrix complex subunit 1; plus strand). Cytogenetic location: 4q21.21.
Variant type: single nucleotide variant.
Coding change: c.3730C>T on transcript NM_025074.7 (MANE Select); coding-DNA position 3730, C replaced by T.
Protein change: p.Arg1244Ter; replaces arginine 1244 with a stop codon.
Molecular consequence: nonsense.
Genome position (GRCh38, 1-based): chr4:78,387,456, C>T. VCF-style: chr4-78387456-C-T. GRCh37 (hg19) VCF-style: chr4-79308610-C-T.
Other names: c.3730C>T, p.Arg1244Ter (NM_001166133.2); short protein forms R1244*.
Identifiers: ClinVar variation 916643 (VCV000916643.11), dbSNP rs186964660, ClinGen allele CA2977007.
Genomic context (GRCh38, chr4:78,387,456, plus strand): 5'-GAAGTTCTCCACATTAGCAGAGGAGAGAGGGCAACCATCACCACCCAGATGCTTGACATC[C>T]GAGATGATGACAACCCACAGGATGTGGTCATTGAAATAATCGATCCTCCACTTCATGGCC-3'

ClinVar aggregate classification (germline): Pathogenic. Review status: criteria provided, multiple submitters, no conflicts (2 of 4 stars). 5 submissions from 5 submitters: Pathogenic (5). Last evaluated 2025-07-18.

Conditions:
Fraser syndrome 1 (FRASRS1). Also called: CRYPTOPHTHALMOS WITH OTHER MALFORMATIONS. Identifiers: Orphanet 2052, MedGen C4551480, MONDO:0054737, OMIM 219000.

Allele frequency attached by ClinVar (database versions not stated): ExAC 0.00003; gnomAD 0.00003 and 0.00002; gnomAD exomes 0.00003; 1000 Genomes Project 30x 0.00031; TOPMed 0.00001.
gnomAD v4.1: 20 of 1,613,676 alleles (0.0012%); highest among the groups gnomAD compares: Admixed American, 0.0033%; no homozygotes.

Submissions (5):

First Genomix Gene Laboratory, Genetic Diagnostics Department
Classification: Pathogenic for Fraser syndrome 1. Last evaluated: 2025-07-18. Review status: criteria provided, single submitter. Criteria: ACMG Guidelines, 2015. Collection method: clinical testing. Allele origin: germline. Inheritance: Autosomal recessive inheritance. Affected: no. Observed: 1 variant allele.

Labcorp Genetics (formerly Invitae), Labcorp
Classification: Pathogenic. Last evaluated: 2025-04-29. Review status: criteria provided, single submitter. Criteria: Invitae Variant Classification Sherloc (09022015). Collection method: clinical testing. Allele origin: germline.
Comment: This sequence change creates a premature translational stop signal (p.Arg1244*) in the FRAS1 gene. It is expected to result in an absent or disrupted protein product. Loss-of-function variants in FRAS1 are known to be pathogenic (PMID: 12766769, 18671281). This variant is present in population databases (rs186964660, gnomAD 0.02%). This premature translational stop signal has been observed in individual(s) with Fraser syndrome (PMID: 18671281). ClinVar contains an entry for this variant (Variation ID: 916643). For these reasons, this variant has been classified as Pathogenic.

Fulgent Genetics
Classification: Pathogenic for Fraser syndrome 1. Last evaluated: 2024-06-03. Review status: criteria provided, single submitter. Criteria: ACMG Guidelines, 2015. Collection method: clinical testing. Allele origin: germline.

Revvity Omics, Revvity
Classification: Pathogenic for Fraser syndrome 1. Last evaluated: 2022-04-29. Review status: criteria provided, single submitter. Criteria: ACMG Guidelines, 2015. Collection method: clinical testing. Allele origin: germline.

Service de Biochimie Médicale et Biologie Moléculaire, CHU Clermont-Ferrand
Classification: Pathogenic for Fraser syndrome 1. Last evaluated: 2018-09-14. Review status: criteria provided, single submitter. Criteria: ACMG Guidelines, 2015. Collection method: clinical testing. Allele origin: inherited. Inheritance: Autosomal recessive inheritance. Affected: yes.
Comment: This variant in homozygous state or compound heterozygous state induced Fraser syndrome phenotype

Literature cited by the submitters: PubMed 12766769 (cited by Labcorp Genetics (formerly Invitae), Labcorp); PubMed 18671281 (cited by Labcorp Genetics (formerly Invitae), Labcorp and Service de Biochimie Médicale et Biologie Moléculaire, CHU Clermont-Ferrand); PubMed 22029163 (cited by Service de Biochimie Médicale et Biologie Moléculaire, CHU Clermont-Ferrand).